The following is an entry in ClinVar:

ClinVar aggregate classification (germline): Uncertain significance (1 of 4 stars; one submission).

Submission:

Labcorp Genetics (formerly Invitae), Labcorp
Classification: Uncertain significance. Last evaluated: 2021-07-19. Review status: criteria provided, single submitter. Criteria: Invitae Variant Classification Sherloc (09022015). Collection method: clinical testing. Allele origin: germline.
Comment: This sequence change falls in intron 47 of the POLE gene. It does not directly change the encoded amino acid sequence of the POLE protein. It affects a nucleotide within the consensus splice site of the intron. This variant is not present in population databases (ExAC no frequency). This variant has not been reported in the literature in individuals affected with POLE-related conditions. ClinVar contains an entry for this variant (Variation ID: 1052991). Nucleotide substitutions within the consensus splice site are a relatively common cause of aberrant splicing (PMID: 17576681, 9536098). Algorithms developed to predict the effect of sequence changes on RNA splicing suggest that this variant may disrupt the consensus splice site. In summary, the available evidence is currently insufficient to determine the role of this variant in disease. Therefore, it has been classified as a Variant of Uncertain Significance.

Literature cited by the submitters: PubMed 17576681; PubMed 9536098.

NM_006231.4(POLE):c.6657+5G>A

Gene: POLE (DNA polymerase epsilon, catalytic subunit; minus strand). Cytogenetic location: 12q24.33.
Variant type: single nucleotide variant.
Coding change: c.6657+5G>A on transcript NM_006231.4 (MANE Select); 5 bases into the intron after coding-DNA position 6657, G replaced by A.
Molecular consequence: intron variant.
Genome position (GRCh38, 1-based): chr12:132,625,640, C>T on the plus strand (G>A on the coding strand, the complement: POLE is on the minus strand). VCF-style: chr12-132625640-C-T. GRCh37 (hg19) VCF-style: chr12-133202226-C-T.
Identifiers: ClinVar variation 1052991 (VCV001052991.7), dbSNP rs2138427231, ClinGen allele CA2499221498.